The following is an entry in ClinVar:

ClinVar aggregate classification (germline): Uncertain significance (1 of 4 stars; one submission).

Submission:

GeneDx
Classification: Uncertain significance. Last evaluated: 2023-05-14. Review status: criteria provided, single submitter. Criteria: GeneDx Variant Classification Process June 2021. Collection method: clinical testing. Allele origin: germline. Affected: yes.
Comment: Not observed at significant frequency in large population cohorts (gnomAD); In silico analysis supports that this missense variant has a deleterious effect on protein structure/function; Has not been previously published as pathogenic or benign to our knowledge

NM_015570.4(AUTS2):c.2199C>A (p.Asn733Lys)

Gene: AUTS2 (activator of transcription and developmental regulator AUTS2; plus strand). Cytogenetic location: 7q11.22.
Variant type: single nucleotide variant.
Coding change: c.2199C>A on transcript NM_015570.4 (MANE Select); coding-DNA position 2199, C replaced by A.
Protein change: p.Asn733Lys; replaces asparagine 733 with lysine.
Molecular consequence: missense variant.
Genome position (GRCh38, 1-based): chr7:70,784,994, C>A. VCF-style: chr7-70784994-C-A. GRCh37 (hg19) VCF-style: chr7-70249980-C-A.
Other names: c.2127C>A, p.Asn709Lys (NM_001127231.3); short protein forms N709K, N733K.
Identifiers: ClinVar variation 2663589 (VCV002663589.1), dbSNP rs768708424, ClinGen allele CA367663414.